The following is an entry in ClinVar:

ClinVar aggregate classification (germline): Uncertain significance (1 of 4 stars; one submission).

Submission:

Labcorp Genetics (formerly Invitae), Labcorp
Classification: Uncertain significance. Last evaluated: 2025-08-20. Review status: criteria provided, single submitter. Criteria: Invitae Variant Classification Sherloc (09022015). Collection method: clinical testing. Allele origin: germline.
Comment: This sequence change replaces lysine, which is basic and polar, with arginine, which is basic and polar, at codon 61 of the MAP3K8 protein (p.Lys61Arg). This variant is not present in population databases (gnomAD no frequency). This variant has not been reported in the literature in individuals affected with MAP3K8-related conditions. An algorithm developed to predict the effect of missense changes on protein structure and function (PolyPhen-2) suggests that this variant is likely to be tolerated. In summary, the available evidence is currently insufficient to determine the role of this variant in disease. Therefore, it has been classified as a Variant of Uncertain Significance.

NM_005204.4(MAP3K8):c.182A>G (p.Lys61Arg)

Gene: MAP3K8 (mitogen-activated protein kinase kinase kinase 8; plus strand). Cytogenetic location: 10p11.23.
Variant type: single nucleotide variant.
Coding change: c.182A>G on transcript NM_005204.4 (MANE Select); coding-DNA position 182, A replaced by G.
Protein change: p.Lys61Arg; replaces lysine 61 with arginine.
Molecular consequence: missense variant.
Genome position (GRCh38, 1-based): chr10:30,439,120, A>G. VCF-style: chr10-30439120-A-G. GRCh37 (hg19) VCF-style: chr10-30728049-A-G.
Other names: c.182A>G, p.Lys61Arg (NM_001244134.1, NM_001320961.2); short protein forms K61R.
Identifiers: ClinVar variation 4725755 (VCV004725755.1).